The following is an entry in ClinVar:

NM_024301.5(FKRP):c.930G>A (p.Glu310=)

Gene: FKRP (fukutin related protein; plus strand). Cytogenetic location: 19q13.32.
Variant type: single nucleotide variant.
Coding change: c.930G>A on transcript NM_024301.5 (MANE Select); coding-DNA position 930, G replaced by A.
Protein change: p.Glu310=; no amino-acid change (glutamic acid 310 retained).
Molecular consequence: synonymous variant.
Genome position (GRCh38, 1-based): chr19:46,756,380, G>A. VCF-style: chr19-46756380-G-A. GRCh37 (hg19) VCF-style: chr19-47259637-G-A.
Other names: c.930G>A, p.Glu310= (NM_001039885.3).
Identifiers: ClinVar variation 2684193 (VCV002684193.4), dbSNP rs1288927267, ClinGen allele CA507976405.

ClinVar aggregate classification (germline): Conflicting classifications of pathogenicity. Review status: criteria provided, conflicting classifications (1 of 4 stars). 2 submissions from 2 submitters: Uncertain significance (1); Likely benign (1). Last evaluated 2023-10-14.

Conditions:
Walker-Warburg congenital muscular dystrophy. Also called: Muscular dystrophy-dystroglycanopathy, type A; Walker-Warburg syndrome. Identifiers: Orphanet 899, MedGen C0265221, MONDO:0000171.

Allele frequency attached by ClinVar (database versions not stated): gnomAD exomes below 0.00001.

Submissions (2):

Labcorp Genetics (formerly Invitae), Labcorp
Classification: Likely benign for Walker-Warburg congenital muscular dystrophy. Last evaluated: 2023-10-14. Review status: criteria provided, single submitter. Criteria: Invitae Variant Classification Sherloc (09022015). Collection method: clinical testing. Allele origin: germline.

Athena Diagnostics
Classification: Uncertain significance. Last evaluated: 2023-08-08. Review status: criteria provided, single submitter. Criteria: Athena Diagnostics Criteria. Collection method: clinical testing. Allele origin: unknown.
Comment: Available data are insufficient to determine the clinical significance of the variant at this time. This variant has not been reported in large, multi-ethnic general populations. Computational tools yielded predictions that this variant is unlikely to have an effect on normal RNA splicing.